The following is an entry in ClinVar:

NM_017668.3(NDE1):c.638C>A (p.Pro213Gln)

Gene: NDE1 (nudE neurodevelopment protein 1; plus strand). Cytogenetic location: 16p13.11.
Variant type: single nucleotide variant.
Coding change: c.638C>A on transcript NM_017668.3 (MANE Select); coding-DNA position 638, C replaced by A.
Protein change: p.Pro213Gln; replaces proline 213 with glutamine.
Molecular consequence: missense variant.
Genome position (GRCh38, 1-based): chr16:15,691,258, C>A. VCF-style: chr16-15691258-C-A. GRCh37 (hg19) VCF-style: chr16-15785115-C-A.
Other names: c.638C>A, p.Pro213Gln (NM_001143979.2); short protein forms P213Q.
Identifiers: ClinVar variation 2185874 (VCV002185874.2), dbSNP rs112118461, ClinGen allele CA394856382.

ClinVar aggregate classification (germline): Uncertain significance (1 of 4 stars; one submission).

gnomAD v4.1: 11 of 1,613,976 alleles (0.00068%); highest among the groups gnomAD compares: African/African-American, 0.0027%; no homozygotes.

Submission:

Labcorp Genetics (formerly Invitae), Labcorp
Classification: Uncertain significance. Last evaluated: 2023-11-27. Review status: criteria provided, single submitter. Criteria: Invitae Variant Classification Sherloc (09022015). Collection method: clinical testing. Allele origin: germline.
Comment: This sequence change replaces proline, which is neutral and non-polar, with glutamine, which is neutral and polar, at codon 213 of the NDE1 protein (p.Pro213Gln). This variant is present in population databases (no rsID available, gnomAD 0.006%). This variant has not been reported in the literature in individuals affected with NDE1-related conditions. ClinVar contains an entry for this variant (Variation ID: 2185874). Advanced modeling of protein sequence and biophysical properties (such as structural, functional, and spatial information, amino acid conservation, physicochemical variation, residue mobility, and thermodynamic stability) performed at Invitae indicates that this missense variant is not expected to disrupt NDE1 protein function with a negative predictive value of 80%. In summary, the available evidence is currently insufficient to determine the role of this variant in disease. Therefore, it has been classified as a Variant of Uncertain Significance.